The following is an entry in ClinVar:

ClinVar aggregate classification (germline): Pathogenic (1 of 4 stars; one submission).

Conditions:
Duchenne muscular dystrophy (DMD). Also called: MUSCULAR DYSTROPHY, PSEUDOHYPERTROPHIC PROGRESSIVE, DUCHENNE TYPE; Duchenne Muscular Dystrophy (DMD). Identifiers: Orphanet 98896, MedGen C0013264, MONDO:0010679, OMIM 310200.

Submission:

Labcorp Genetics (formerly Invitae), Labcorp
Classification: Pathogenic for Duchenne muscular dystrophy. Last evaluated: 2018-09-24. Review status: criteria provided, single submitter. Criteria: Invitae Variant Classification Sherloc (09022015). Collection method: clinical testing. Allele origin: germline.
Comment: This sequence change creates a premature translational stop signal (p.Asn126Lysfs*12) in the DMD gene. It is expected to result in an absent or disrupted protein product. This variant is not present in population databases (ExAC no frequency). This variant has not been reported in the literature in individuals with DMD-related disease. Loss-of-function variants in DMD are known to be pathogenic (PMID: 16770791, 25007885). For these reasons, this variant has been classified as Pathogenic.

Literature cited by the submitters: PubMed 16770791; PubMed 25007885.

NM_004006.3(DMD):c.377dup (p.Asn126fs)

Gene: DMD (dystrophin; minus strand). Cytogenetic location: Xp21.1.
Variant type: Duplication.
Coding change: c.377dup on transcript NM_004006.3 (MANE Select); coding-DNA position 377, one base duplicated (A; older notation c.377dupA).
Protein change: p.Asn126fs; shifts the reading frame from asparagine 126.
Molecular consequence: frameshift variant.
Genome position (GRCh38, 1-based): chrX:32,816,621, T duplicated on the plus strand (A on the coding strand, the reverse complement: DMD is on the minus strand); the first of 5 consecutive T bases (chrX:32,816,621-32,816,625); duplicating any one gives the same sequence. VCF-style (leftmost placement, unchanged base first): chrX-32816620-A-AT. GRCh37 (hg19) VCF-style: chrX-32834737-A-AT.
Other names: c.353dup, p.Asn118fs (NM_000109.4); c.365dup, p.Asn122fs (NM_004009.3); c.8dup, p.Asn3fs (NM_004010.3); c.377dupA (NM_004006.2); short protein forms N122fs, N126fs, N3fs, N118fs.
Identifiers: ClinVar variation 639041 (VCV000639041.7), dbSNP rs1569528138, ClinGen allele CA915950826.